The following is an entry in ClinVar:

NM_001080414.4(CCDC88C):c.2420G>A (p.Arg807Gln)

Gene: CCDC88C (coiled-coil and HOOK domain protein 88C; minus strand). Cytogenetic location: 14q32.11.
Variant type: single nucleotide variant.
Coding change: c.2420G>A on transcript NM_001080414.4 (MANE Select); coding-DNA position 2420, G replaced by A.
Protein change: p.Arg807Gln; replaces arginine 807 with glutamine.
Molecular consequence: missense variant. On other transcripts: non-coding transcript variant (2).
Genome position (GRCh38, 1-based): chr14:91,313,396, C>T on the plus strand (G>A on the coding strand, the complement: CCDC88C is on the minus strand). VCF-style: chr14-91313396-C-T. GRCh37 (hg19) VCF-style: chr14-91779740-C-T.
Other names: short protein forms R807Q.
Identifiers: ClinVar variation 4221750 (VCV004221750.3).
Genomic context (GRCh38, chr14:91,313,396, plus strand): 5'-ACCTCCTGCTCCAGGGCCTTCCTGTCCTTCTCGGCCCCCTCCAACTGTGCATTGGCCAGC[C>T]GGAGGGCCTCCAGGTCCCGCCGCAGCGCCTGGCGCTCAGCCTCCAGCTCGCCCAGCTCAC-3'
Protein context (NP_001073883.2, residues 797-817): QALRRDLEAL[Arg807Gln]LANAQLEGAE

ClinVar aggregate classification (germline): Conflicting classifications of pathogenicity. Review status: criteria provided, conflicting classifications (1 of 4 stars). 3 submissions from 3 submitters: Uncertain significance (2); Likely benign (1). Last evaluated 2026-09-16.

Conditions:
CCDC88C-related disorder. Also called: CCDC88C-Related Disorders; CCDC88C-related condition.
Inborn genetic diseases. Identifiers: MedGen C0950123, MeSH D030342.

Submissions (3):

PreventionGenetics, part of Exact Sciences
Classification: Uncertain significance for CCDC88C-related condition. Last evaluated: 2026-09-16. Review status: criteria provided, single submitter. Criteria: ACMG Guidelines, 2015. Collection method: clinical testing. Allele origin: germline.
Comment: The CCDC88C c.2420G>A variant is predicted to result in the amino acid substitution p.Arg807Gln. To our knowledge, this variant has not been reported in the literature. This variant is reported in 0.0056% of alleles in individuals of European (Finnish) descent in gnomAD. At this time, the clinical significance of this variant is uncertain due to the absence of conclusive functional and genetic evidence.

Ambry Genetics
Classification: Uncertain significance for Inborn genetic diseases. Last evaluated: 2025-08-10. Review status: criteria provided, single submitter. Criteria: Ambry Variant Classification Scheme 2023. Collection method: clinical testing. Allele origin: germline.

Blueprint Genetics
Classification: Likely benign. Last evaluated: 2024-10-14. Review status: criteria provided, single submitter. Criteria: ACMG Guidelines, 2015. Collection method: clinical testing. Allele origin: germline.